The following is an entry in ClinVar:

NM_000080.4(CHRNE):c.506A>G (p.Gln169Arg)

Genes: C17orf107 (chromosome 17 open reading frame 107; plus strand), CHRNE (cholinergic receptor nicotinic epsilon subunit; minus strand). Cytogenetic location: 17p13.2.
Variant type: single nucleotide variant.
Coding change: c.506A>G on transcript NM_000080.4 (MANE Select); coding-DNA position 506, A replaced by G.
Protein change: p.Gln169Arg; replaces glutamine 169 with arginine.
Molecular consequence: missense variant. On other transcripts: 3 prime UTR variant (1).
Genome position (GRCh38, 1-based): chr17:4,901,620, T>C on the plus strand (A>G on the coding strand, the complement: CHRNE is on the minus strand). VCF-style: chr17-4901620-T-C. GRCh37 (hg19) VCF-style: chr17-4804915-T-C.
Other names: c.*1087T>C (NM_001145536.2); short protein forms Q169R.
Identifiers: ClinVar variation 2182599 (VCV002182599.6), dbSNP rs148370803, ClinGen allele CA8314373.
Genomic context (GRCh38, chr17:4,901,620, plus strand): 5'-ATGGTCTTGCCGTCGTTGTCTACGGCAAAAGTGAACTCCACCTCTTCGGCATTGTACGTC[T>C]GAGAGCTGCGGAGCCAGGGCCGGGAGCCCACCCCAGAAGCTCTGACCTGGGCCCCGGCCT-3'
Protein context (NP_000071.1, residues 159-179): WQNCSLIFRS[Gln169Arg]TYNAEEVEFT

ClinVar aggregate classification (germline): Uncertain significance. Review status: criteria provided, multiple submitters, no conflicts (2 of 4 stars). 3 submissions from 3 submitters: Uncertain significance (3). Last evaluated 2024-11-18.

Conditions:
Congenital myasthenic syndrome 4A. Also called: CONGENITAL MYASTHENIC SYNDROME TYPE Ia1; Myasthenic syndrome, congenital, 4a, slow-channel; MYASTHENIC SYNDROME, CONGENITAL, 4A, SLOW-CHANNEL, AUTOSOMAL RECESSIVE. Identifiers: Orphanet 590, MedGen C4225413, MONDO:0011600, OMIM 605809.
Inborn genetic diseases. Identifiers: MedGen C0950123, MeSH D030342.

gnomAD v4.1: 19 of 1,613,902 alleles (0.0012%); highest among the groups gnomAD compares: East Asian, 0.02%; no homozygotes.

Submissions (3):

Labcorp Genetics (formerly Invitae), Labcorp
Classification: Uncertain significance for Congenital myasthenic syndrome 4A. Last evaluated: 2024-11-18. Review status: criteria provided, single submitter. Criteria: Invitae Variant Classification Sherloc (09022015). Collection method: clinical testing. Allele origin: germline.
Comment: This sequence change replaces glutamine, which is neutral and polar, with arginine, which is basic and polar, at codon 169 of the CHRNE protein (p.Gln169Arg). This variant is present in population databases (rs148370803, gnomAD 0.05%). This variant has not been reported in the literature in individuals affected with CHRNE-related conditions. ClinVar contains an entry for this variant (Variation ID: 2182599). Invitae Evidence Modeling of protein sequence and biophysical properties (such as structural, functional, and spatial information, amino acid conservation, physicochemical variation, residue mobility, and thermodynamic stability) has been performed for this missense variant. However, the output from this modeling did not meet the statistical confidence thresholds required to predict the impact of this variant on CHRNE protein function. In summary, the available evidence is currently insufficient to determine the role of this variant in disease. Therefore, it has been classified as a Variant of Uncertain Significance.

Ambry Genetics
Classification: Uncertain significance for Inborn genetic diseases. Last evaluated: 2023-12-08. Review status: criteria provided, single submitter. Criteria: Ambry Variant Classification Scheme 2023. Collection method: clinical testing. Allele origin: germline.

Revvity Omics, Revvity
Classification: Uncertain significance. Last evaluated: 2019-10-04. Review status: criteria provided, single submitter. Criteria: ACMG Guidelines, 2015. Collection method: clinical testing. Allele origin: germline.